The following is an entry in ClinVar:

ClinVar aggregate classification (germline): Uncertain significance (1 of 4 stars; one submission).

gnomAD v4.1: 34 of 1,603,664 alleles (0.0021%); highest among the groups gnomAD compares: Middle Eastern, 0.017%; no homozygotes.

Submission:

Labcorp Genetics (formerly Invitae), Labcorp
Classification: Uncertain significance. Last evaluated: 2026-01-05. Review status: criteria provided, single submitter. Criteria: Invitae Variant Classification Sherloc (09022015). Collection method: clinical testing. Allele origin: germline.
Comment: This sequence change replaces alanine, which is neutral and non-polar, with glycine, which is neutral and non-polar, at codon 289 of the KATNB1 protein (p.Ala289Gly). This variant is present in population databases (rs370835158, gnomAD 0.01%). This variant has not been reported in the literature in individuals affected with KATNB1-related conditions. Invitae Evidence Modeling of protein sequence and biophysical properties (such as structural, functional, and spatial information, amino acid conservation, physicochemical variation, residue mobility, and thermodynamic stability) indicates that this missense variant is not expected to disrupt KATNB1 protein function with a negative predictive value of 95%. In summary, the available evidence is currently insufficient to determine the role of this variant in disease. Therefore, it has been classified as a Variant of Uncertain Significance.

NM_005886.3(KATNB1):c.866C>G (p.Ala289Gly)

Gene: KATNB1 (katanin regulatory subunit B1; plus strand). Cytogenetic location: 16q21.
Variant type: single nucleotide variant.
Coding change: c.866C>G on transcript NM_005886.3 (MANE Select); coding-DNA position 866, C replaced by G.
Protein change: p.Ala289Gly; replaces alanine 289 with glycine.
Molecular consequence: missense variant.
Genome position (GRCh38, 1-based): chr16:57,753,087, C>G. VCF-style: chr16-57753087-C-G. GRCh37 (hg19) VCF-style: chr16-57786999-C-G.
Other names: short protein forms A289G.
Identifiers: ClinVar variation 4741539 (VCV004741539.1).
Genomic context (GRCh38, chr16:57,753,087, plus strand): 5'-TTTTGCCCCCTCGGCTTGCAGTCCCAGCCCCACCTCTCCGCTTTCTGCAGATAGGTGTGG[C>G]CTTCTCCCAGAGCAACGTCTCCTCCTACGTGGTGGATCTGACGCGTGTCACCAGGACTGG-3'
Protein context (NP_005877.2, residues 279-299): AICNDQLIGV[Ala289Gly]FSQSNVSSYV